The following is an entry in ClinVar:

ClinVar aggregate classification (germline): Conflicting classifications of pathogenicity. Review status: criteria provided, conflicting classifications (1 of 4 stars). 5 submissions from 5 submitters: Uncertain significance (3); Likely benign (2). Last evaluated 2024-05-06.

Conditions:
Branchiootorenal syndrome 2 (BOR2). Identifiers: Orphanet 107, MedGen C1970479, MONDO:0012575, OMIM 610896.

Allele frequency attached by ClinVar (database versions not stated): gnomAD exomes 0.00006 and 0.00012; TOPMed 0.00006; 1000 Genomes Project 30x 0.00016; 1000 Genomes Project 0.00020.
gnomAD v4.1: 86 of 1,474,466 alleles (0.0058%); highest among the groups gnomAD compares: South Asian, 0.06%; no homozygotes.

Submissions (5):

Labcorp Genetics (formerly Invitae), Labcorp
Classification: Uncertain significance. Last evaluated: 2024-05-06. Review status: criteria provided, single submitter. Criteria: Invitae Variant Classification Sherloc (09022015). Collection method: clinical testing. Allele origin: germline.
Comment: This sequence change replaces threonine, which is neutral and polar, with serine, which is neutral and polar, at codon 464 of the SIX5 protein (p.Thr464Ser). This variant is present in population databases (rs550402717, gnomAD 0.06%). This variant has not been reported in the literature in individuals affected with SIX5-related conditions. ClinVar contains an entry for this variant (Variation ID: 1360087). Advanced modeling of protein sequence and biophysical properties (such as structural, functional, and spatial information, amino acid conservation, physicochemical variation, residue mobility, and thermodynamic stability) performed at Invitae indicates that this missense variant is not expected to disrupt SIX5 protein function with a negative predictive value of 80%. In summary, the available evidence is currently insufficient to determine the role of this variant in disease. Therefore, it has been classified as a Variant of Uncertain Significance.

GeneDx
Classification: Likely benign. Last evaluated: 2024-02-20. Review status: criteria provided, single submitter. Criteria: GeneDx Variant Classification Process June 2021. Collection method: clinical testing. Allele origin: germline. Affected: yes.
Comment: In silico analysis supports that this missense variant does not alter protein structure/function; Has not been previously published as pathogenic or benign to our knowledge

Blueprint Genetics
Classification: Likely benign. Last evaluated: 2024-02-14. Review status: criteria provided, single submitter. Criteria: ACMG Guidelines, 2015. Collection method: clinical testing. Allele origin: germline.

Ambry Genetics
Classification: Uncertain significance. Last evaluated: 2022-08-24. Review status: criteria provided, single submitter. Criteria: Ambry Variant Classification Scheme 2023. Collection method: clinical testing. Allele origin: germline.

Fulgent Genetics
Classification: Uncertain significance for Branchiootorenal syndrome 2. Last evaluated: 2021-11-30. Review status: criteria provided, single submitter. Criteria: ACMG Guidelines, 2015. Collection method: clinical testing. Allele origin: unknown.

NM_175875.5(SIX5):c.1390A>T (p.Thr464Ser)

Gene: SIX5 (SIX homeobox 5; minus strand). Cytogenetic location: 19q13.32.
Variant type: single nucleotide variant.
Coding change: c.1390A>T on transcript NM_175875.5 (MANE Select); coding-DNA position 1390, A replaced by T.
Protein change: p.Thr464Ser; replaces threonine 464 with serine.
Molecular consequence: missense variant.
Genome position (GRCh38, 1-based): chr19:45,766,569, T>A on the plus strand (A>T on the coding strand, the complement: SIX5 is on the minus strand). VCF-style: chr19-45766569-T-A. GRCh37 (hg19) VCF-style: chr19-46269827-T-A.
Other names: c.1390A>T (NM_175875.4); short protein forms T464S.
Identifiers: ClinVar variation 1360087 (VCV001360087.10), dbSNP rs550402717, ClinGen allele CA9520628.